The following is an entry in ClinVar:

ClinVar aggregate classification (germline): Uncertain significance (1 of 4 stars; one submission).

Allele frequency attached by ClinVar (database versions not stated): gnomAD exomes below 0.00001.
gnomAD v4.1: 2 of 1,211,499 alleles (0.00017%); highest among the groups gnomAD compares: South Asian, 0.0035%; no homozygotes.

Submission:

Labcorp Genetics (formerly Invitae), Labcorp
Classification: Uncertain significance. Last evaluated: 2022-09-21. Review status: criteria provided, single submitter. Criteria: Invitae Variant Classification Sherloc (09022015). Collection method: clinical testing. Allele origin: germline.
Comment: In summary, the available evidence is currently insufficient to determine the role of this variant in disease. Therefore, it has been classified as a Variant of Uncertain Significance. Algorithms developed to predict the effect of missense changes on protein structure and function output the following: SIFT: "Tolerated"; PolyPhen-2: "Benign"; Align-GVGD: "Class C0". The valine amino acid residue is found in multiple mammalian species, which suggests that this missense change does not adversely affect protein function. This variant has not been reported in the literature in individuals affected with AFF2-related conditions. This variant is present in population databases (no rsID available, gnomAD 0.005%). This sequence change replaces isoleucine, which is neutral and non-polar, with valine, which is neutral and non-polar, at codon 984 of the AFF2 protein (p.Ile984Val).

NM_002025.4(AFF2):c.2950A>G (p.Ile984Val)

Gene: AFF2 (ALF transcription elongation factor 2; plus strand). Cytogenetic location: Xq28.
Variant type: single nucleotide variant.
Coding change: c.2950A>G on transcript NM_002025.4 (MANE Select); coding-DNA position 2950, A replaced by G.
Protein change: p.Ile984Val; replaces isoleucine 984 with valine.
Molecular consequence: missense variant.
Genome position (GRCh38, 1-based): chrX:148,966,826, A>G. VCF-style: chrX-148966826-A-G. GRCh37 (hg19) VCF-style: chrX-148048356-A-G.
Other names: c.2845A>G, p.Ile949Val (NM_001169122.2, NM_001169124.2); c.2920A>G, p.Ile974Val (NM_001169123.2); c.2833A>G, p.Ile945Val (NM_001169125.2); c.1873A>G, p.Ile625Val (NM_001170628.1); short protein forms I625V, I945V, I949V, I974V, I984V.
Identifiers: ClinVar variation 1719935 (VCV001719935.5), dbSNP rs1557288789, ClinGen allele CA414511633.